The following is an entry in ClinVar:

ClinVar aggregate classification (germline): Uncertain significance (1 of 4 stars; one submission).

Allele frequency attached by ClinVar (database versions not stated): TOPMed below 0.00001; gnomAD 0.00001; gnomAD exomes below 0.00001.
gnomAD v4.1: 3 of 1,614,004 alleles (0.00019%); highest among the groups gnomAD compares: Non-Finnish European, 0.00025%; no homozygotes.

Submission:

Labcorp Genetics (formerly Invitae), Labcorp
Classification: Uncertain significance. Last evaluated: 2025-10-02. Review status: criteria provided, single submitter. Criteria: Invitae Variant Classification Sherloc (09022015). Collection method: clinical testing. Allele origin: germline.
Comment: This sequence change replaces phenylalanine, which is neutral and non-polar, with leucine, which is neutral and non-polar, at codon 166 of the ELOVL1 protein (p.Phe166Leu). This variant is not present in population databases (gnomAD no frequency). This variant has not been reported in the literature in individuals affected with ELOVL1-related conditions. ClinVar contains an entry for this variant (Variation ID: 2093641). Invitae Evidence Modeling of protein sequence and biophysical properties (such as structural, functional, and spatial information, amino acid conservation, physicochemical variation, residue mobility, and thermodynamic stability) indicates that this missense variant is not expected to disrupt ELOVL1 protein function with a negative predictive value of 80%. In summary, the available evidence is currently insufficient to determine the role of this variant in disease. Therefore, it has been classified as a Variant of Uncertain Significance.

NM_022821.4(ELOVL1):c.498C>G (p.Phe166Leu)

Gene: ELOVL1 (ELOVL fatty acid elongase 1; minus strand). Cytogenetic location: 1p34.2.
Variant type: single nucleotide variant.
Coding change: c.498C>G on transcript NM_022821.4 (MANE Select); coding-DNA position 498, C replaced by G.
Protein change: p.Phe166Leu; replaces phenylalanine 166 with leucine.
Molecular consequence: missense variant. On other transcripts: non-coding transcript variant (1).
Genome position (GRCh38, 1-based): chr1:43,364,444, G>C on the plus strand (C>G on the coding strand, the complement: ELOVL1 is on the minus strand). VCF-style: chr1-43364444-G-C. GRCh37 (hg19) VCF-style: chr1-43830115-G-C.
Other names: c.498C>G, p.Phe166Leu (NM_001256399.2); c.417C>G, p.Phe139Leu (NM_001256401.2); c.255C>G, p.Phe85Leu (NM_001256402.2); short protein forms F166L, F139L, F85L.
Identifiers: ClinVar variation 2093641 (VCV002093641.4), dbSNP rs1374338567, ClinGen allele CA340015322.